The following is an entry in ClinVar:

ClinVar aggregate classification (germline): Uncertain significance. Review status: no assertion criteria provided (0 of 4 stars). 3 submissions from 1 submitter: Uncertain significance (3). Last evaluated 2014-12-19.

Conditions:
Arrhythmogenic right ventricular dysplasia 2. Identifiers: MedGen C1832931.
Catecholaminergic polymorphic ventricular tachycardia 1. Also called: RYR2-Related Catecholaminergic Polymorphic Ventricular Tachycardia; VENTRICULAR TACHYCARDIA, CATECHOLAMINERGIC POLYMORPHIC, 1, WITH OR WITHOUT ATRIAL DYSFUNCTION AND/OR DILATED CARDIOMYOPATHY; VENTRICULAR TACHYCARDIA, STRESS-INDUCED POLYMORPHIC 1. Identifiers: Orphanet 3286, MedGen C1631597, MONDO:0011484, OMIM 604772.

Submissions (3):

Division of Human Genetics, Children's Hospital of Philadelphia
Classification: Uncertain significance for Arrhythmogenic Right Ventricular Dysplasia 2. Last evaluated: 2014-12-19. Review status: no assertion criteria provided. Collection method: research. Allele origin: germline. Affected: yes. Study: CSER-PediSeq.
Comment: The heterozygous variant in the RYR2 gene (c.2306G>T; p.Arg769Leu) has not been seen before but it is not seen in the ExAC database and the type of mutation corresponds with what has been previously published for this gene, both the amino acid and the nucleotide positions are highly conserved and in a functional domain (B30.2/SPRY 1, according to UniProt). Also the amino acid change is non-conservative.

Division of Human Genetics, Children's Hospital of Philadelphia
Classification: Uncertain significance for Ventricular tachycardia, Catecholaminergic Polymorphic, 1. Last evaluated: 2014-12-19. Review status: no assertion criteria provided. Collection method: research. Allele origin: germline. Affected: yes. Study: CSER-PediSeq.
Comment: the same text as in the submission from Division of Human Genetics, Children's Hospital of Philadelphia above.

Division of Human Genetics, Children's Hospital of Philadelphia
Classification: Uncertain significance for Catecholaminergic polymorphic ventricular tachycardia 1. Last evaluated: 2014-12-19. Review status: no assertion criteria provided. Collection method: research. Allele origin: germline. Affected: yes. Study: CSER-PediSeq.

NM_001035.3(RYR2):c.2306G>T (p.Arg769Leu)

Gene: RYR2 (ryanodine receptor 2; plus strand). Cytogenetic location: 1q43.
Variant type: single nucleotide variant.
Coding change: c.2306G>T on transcript NM_001035.3 (MANE Select); coding-DNA position 2306, G replaced by T.
Protein change: p.Arg769Leu; replaces arginine 769 with leucine.
Molecular consequence: missense variant.
Genome position (GRCh38, 1-based): chr1:237,500,813, G>T. VCF-style: chr1-237500813-G-T. GRCh37 (hg19) VCF-style: chr1-237664113-G-T.
Other names: c.2306G>T, p.Arg769Leu (LRG_402t1); short protein forms R769L.
Identifiers: ClinVar variation 203374 (VCV000203374.1), dbSNP rs754901791, ClinGen allele CA008753.